The following is an entry in ClinVar:

NM_004086.3(COCH):c.771G>A (p.Thr257=)

Genes: COCH-AS1 (COCH antisense RNA 1; minus strand), COCH (cochlin; plus strand). Cytogenetic location: 14q12.
Variant type: single nucleotide variant.
Coding change: c.771G>A on transcript NM_004086.3 (MANE Select); coding-DNA position 771, G replaced by A.
Protein change: p.Thr257=; no amino-acid change (threonine 257 retained).
Molecular consequence: synonymous variant. On other transcripts: non-coding transcript variant (1).
Genome position (GRCh38, 1-based): chr14:30,885,431, G>A. VCF-style: chr14-30885431-G-A. GRCh37 (hg19) VCF-style: chr14-31354637-G-A.
Other names: c.771G>A, p.Thr257= (NM_001135058.2); c.966G>A, p.Thr322= (NM_001347720.2); c.771G>A (NM_001135058.1).
Identifiers: ClinVar variation 679015 (VCV000679015.7), dbSNP rs772516874, ClinGen allele CA7143193.

ClinVar aggregate classification (germline): Likely benign. Review status: criteria provided, multiple submitters, no conflicts (2 of 4 stars). 4 submissions from 4 submitters: Likely benign (4). Last evaluated 2025-03-05.

Conditions:
COCH-related disorder. Also called: COCH-related condition.

Allele frequency attached by ClinVar (database versions not stated): TOPMed 0.00002; gnomAD 0.00003; gnomAD exomes 0.00005; ExAC 0.00006.
gnomAD v4.1: 78 of 1,613,994 alleles (0.0048%); highest among the groups gnomAD compares: Admixed American, 0.015%; no homozygotes.

Submissions (4):

Labcorp Genetics (formerly Invitae), Labcorp
Classification: Likely benign. Last evaluated: 2025-03-05. Review status: criteria provided, single submitter. Criteria: Invitae Variant Classification Sherloc (09022015). Collection method: clinical testing. Allele origin: germline.

PreventionGenetics, part of Exact Sciences
Classification: Likely benign for COCH-related condition. Last evaluated: 2024-11-11. Review status: criteria provided, single submitter. Criteria: ACMG Guidelines, 2015. Collection method: clinical testing. Allele origin: germline.
Comment: This variant is classified as likely benign based on ACMG/AMP sequence variant interpretation guidelines (Richards et al. 2015 PMID: 25741868, with internal and published modifications).

GeneDx
Classification: Likely benign. Last evaluated: 2021-02-26. Review status: criteria provided, single submitter. Criteria: GeneDx Variant Classification Process June 2021. Collection method: clinical testing. Allele origin: germline. Affected: yes.

Breakthrough Genomics
Classification: Likely benign. Review status: criteria provided, single submitter. Criteria: ACMG Guidelines, 2015. Collection method: not provided. Allele origin: germline. Inheritance: Autosomal recessive inheritance. Affected: yes.